The following is an entry in ClinVar:

NM_007118.4(TRIO):c.4358G>T (p.Gly1453Val)

Gene: TRIO (trio Rho guanine nucleotide exchange factor; plus strand). Cytogenetic location: 5p15.2.
Variant type: single nucleotide variant.
Coding change: c.4358G>T on transcript NM_007118.4 (MANE Select); coding-DNA position 4358, G replaced by T.
Protein change: p.Gly1453Val; replaces glycine 1453 with valine.
Molecular consequence: missense variant. On other transcripts: non-coding transcript variant (1).
Genome position (GRCh38, 1-based): chr5:14,397,089, G>T. VCF-style: chr5-14397089-G-T. GRCh37 (hg19) VCF-style: chr5-14397198-G-T.
Other names: short protein forms G1453V.
Identifiers: ClinVar variation 4975343 (VCV004975343.1).
Genomic context (GRCh38, chr5:14,397,089, plus strand): 5'-GTTTATCTTTGCAGGAGCTGCTGACGTGCTGTGAGGAAGGAAAGGGAGAGATTAAAGATG[G>T]CCTGGAGGTGATGCTCAGCGTGCCGAAGCGAGCCAATGATGCCATGCACCTCAGCATGCT-3'
Protein context (NP_009049.2, residues 1443-1463): CEEGKGEIKD[Gly1453Val]LEVMLSVPKR

ClinVar aggregate classification (germline): Uncertain significance (1 of 4 stars; one submission).

Submission:

GeneDx
Classification: Uncertain significance. Last evaluated: 2026-01-22. Review status: criteria provided, single submitter. Criteria: GeneDx Variant Classification Process June 2021. Collection method: clinical testing. Allele origin: germline.
Comment: Not observed at significant frequency in large population cohorts (gnomAD); In silico analysis supports that this missense variant has a deleterious effect on protein structure/function; Has not been previously published as pathogenic or benign to our knowledge